The following is an entry in ClinVar:

NM_000256.3(MYBPC3):c.207G>C (p.Arg69=)

Gene: MYBPC3 (myosin binding protein C3; minus strand). Cytogenetic location: 11p11.2.
Variant type: single nucleotide variant.
Coding change: c.207G>C on transcript NM_000256.3 (MANE Select); coding-DNA position 207, G replaced by C.
Protein change: p.Arg69=; no amino-acid change (arginine 69 retained).
Molecular consequence: synonymous variant.
Genome position (GRCh38, 1-based): chr11:47,351,324, C>G on the plus strand (G>C on the coding strand, the complement: MYBPC3 is on the minus strand). VCF-style: chr11-47351324-C-G. GRCh37 (hg19) VCF-style: chr11-47372875-C-G.
Identifiers: ClinVar variation 42595 (VCV000042595.22), dbSNP rs397515946, ClinGen allele CA011728.

ClinVar aggregate classification (germline): Likely benign. Review status: criteria provided, multiple submitters, no conflicts (2 of 4 stars). 8 submissions from 8 submitters: Likely benign (8). Last evaluated 2025-12-22.

Conditions:
Cardiovascular phenotype. Identifiers: MedGen CN230736.
Cardiomyopathy (CMYO). Also called: Cardiomyopathies. Identifiers: Orphanet 167848, MedGen C0878544, MONDO:0004994, HP:0001638. Inheritance: Various modes of inheritance.
Hypertrophic cardiomyopathy. Also called: HYPERTROPHIC MYOCARDIOPATHY. Identifiers: Orphanet 217569, MedGen C0007194, MeSH D002312, MONDO:0005045, HP:0001639.

Allele frequency attached by ClinVar (database versions not stated): ExAC 0.00005; gnomAD exomes 0.00005; gnomAD 0.00019; 1000 Genomes Project 0.00020; 1000 Genomes Project 30x 0.00031; TOPMed 0.00047.
gnomAD v4.1: 61 of 1,591,004 alleles (0.0038%); highest among the groups gnomAD compares: Admixed American, 0.072%; no homozygotes.

Submissions (8):

Labcorp Genetics (formerly Invitae), Labcorp
Classification: Likely benign for Hypertrophic cardiomyopathy. Last evaluated: 2025-12-22. Review status: criteria provided, single submitter. Criteria: Invitae Variant Classification Sherloc (09022015). Collection method: clinical testing. Allele origin: germline.

Molecular Diagnostic Laboratory for Inherited Cardiovascular Disease, Montreal Heart Institute
Classification: Likely benign. Last evaluated: 2025-04-09. Review status: criteria provided, single submitter. Criteria: ACMG Guidelines, 2015. Collection method: clinical testing. Allele origin: germline. Affected: no.

All of Us Research Program, National Institutes of Health
Classification: Likely benign for Hypertrophic cardiomyopathy. Last evaluated: 2024-01-11. Review status: criteria provided, single submitter. Criteria: ACMG Guidelines, 2015. Collection method: clinical testing. Allele origin: germline. Inheritance: Autosomal dominant inheritance. Observed: 19 variant alleles, 19 heterozygotes.
Comment: This study involves interpretation of variants in research participants for the purpose of population health screening. Participant phenotype was not available at the time of variant classification. Additional details can be found in publication PMID: 35346344, PMCID: PMC8962531

Ambry Genetics
Classification: Likely benign for Cardiovascular phenotype. Last evaluated: 2021-07-08. Review status: criteria provided, single submitter. Criteria: Ambry Variant Classification Scheme 2023. Collection method: clinical testing. Allele origin: germline.

Women's Health and Genetics/Laboratory Corporation of America, LabCorp
Classification: Likely benign. Last evaluated: 2020-09-24. Review status: criteria provided, single submitter. Criteria: LabCorp Variant Classification Summary - May 2015. Collection method: clinical testing. Allele origin: germline.

Color Diagnostics, LLC DBA Color Health
Classification: Likely benign for Cardiomyopathy. Last evaluated: 2018-10-02. Review status: criteria provided, single submitter. Criteria: ACMG Guidelines, 2015. Collection method: clinical testing. Allele origin: germline.

GeneDx
Classification: Likely benign. Last evaluated: 2016-11-01. Review status: criteria provided, single submitter. Criteria: GeneDx Variant Classification (06012015). Collection method: clinical testing. Allele origin: germline. Affected: yes.
Comment: This variant is considered likely benign or benign based on one or more of the following criteria: it is a conservative change, it occurs at a poorly conserved position in the protein, it is predicted to be benign by multiple in silico algorithms, and/or has population frequency not consistent with disease.

Laboratory for Molecular Medicine, Mass General Brigham Personalized Medicine
Classification: Likely benign. Last evaluated: 2010-05-07. Review status: criteria provided, single submitter. Criteria: LMM Criteria. Collection method: clinical testing. Allele origin: germline. Observed: 1 variant allele.